The following is an entry in ClinVar:

NM_022089.4(ATP13A2):c.3439C>A (p.Arg1147Ser)

Gene: ATP13A2 (ATPase cation transporting 13A2; minus strand). Cytogenetic location: 1p36.13.
Variant type: single nucleotide variant.
Coding change: c.3439C>A on transcript NM_022089.4 (MANE Select); coding-DNA position 3439, C replaced by A.
Protein change: p.Arg1147Ser; replaces arginine 1147 with serine.
Molecular consequence: missense variant.
Genome position (GRCh38, 1-based): chr1:16,986,325, G>T on the plus strand (C>A on the coding strand, the complement: ATP13A2 is on the minus strand). VCF-style: chr1-16986325-G-T. GRCh37 (hg19) VCF-style: chr1-17312820-G-T.
Other names: c.3439C>A (NM_022089.2); c.3424C>A, p.Arg1142Ser (NM_001141973.3); c.3137C>A, p.Ala1046Glu (NM_001141974.3); short protein forms R1142S, R1147S, A1046E.
Identifiers: ClinVar variation 2158307 (VCV002158307.3), dbSNP rs370421723, ClinGen allele CA338232467.

ClinVar aggregate classification (germline): Uncertain significance. Review status: criteria provided, multiple submitters, no conflicts (2 of 4 stars). 2 submissions from 2 submitters: Uncertain significance (2). Last evaluated 2023-11-07.

Conditions:
Autosomal recessive spastic paraplegia type 78. Identifiers: Orphanet 513436, MedGen C5567893, MONDO:0014975, OMIM 617225.
Kufor-Rakeb syndrome (KRS). Also called: PARKINSON DISEASE 9, AUTOSOMAL RECESSIVE, JUVENILE-ONSET. Identifiers: Orphanet 306674, Orphanet 314632, MedGen C1847640, MONDO:0011706, OMIM 606693.

gnomAD v4.1: 2 of 1,584,602 alleles (0.00013%); highest among the groups gnomAD compares: Admixed American, 0.0018%; no homozygotes.

Submissions (2):

Revvity Omics, Revvity
Classification: Uncertain significance. Last evaluated: 2023-11-07. Review status: criteria provided, single submitter. Criteria: ACMG Guidelines, 2015. Collection method: clinical testing. Allele origin: germline.

Labcorp Genetics (formerly Invitae), Labcorp
Classification: Uncertain significance for Kufor-Rakeb syndrome; Autosomal recessive spastic paraplegia type 78. Last evaluated: 2022-08-21. Review status: criteria provided, single submitter. Criteria: Invitae Variant Classification Sherloc (09022015). Collection method: clinical testing. Allele origin: germline.
Comment: This sequence change replaces arginine, which is basic and polar, with serine, which is neutral and polar, at codon 1147 of the ATP13A2 protein (p.Arg1147Ser). This variant is not present in population databases (gnomAD no frequency). This variant has not been reported in the literature in individuals affected with ATP13A2-related conditions. Advanced modeling of protein sequence and biophysical properties (such as structural, functional, and spatial information, amino acid conservation, physicochemical variation, residue mobility, and thermodynamic stability) performed at Invitae indicates that this missense variant is not expected to disrupt ATP13A2 protein function. In summary, the available evidence is currently insufficient to determine the role of this variant in disease. Therefore, it has been classified as a Variant of Uncertain Significance.